The following is an entry in ClinVar:

NM_014669.5(NUP93):c.2404C>T (p.Arg802Ter)

Gene: NUP93 (nucleoporin 93; plus strand). Cytogenetic location: 16q13.
Variant type: single nucleotide variant.
Coding change: c.2404C>T on transcript NM_014669.5 (MANE Select); coding-DNA position 2404, C replaced by T.
Protein change: p.Arg802Ter; replaces arginine 802 with a stop codon.
Molecular consequence: nonsense.
Genome position (GRCh38, 1-based): chr16:56,844,553, C>T. VCF-style: chr16-56844553-C-T. GRCh37 (hg19) VCF-style: chr16-56878465-C-T.
Other names: c.2035C>T, p.Arg679Ter (NM_001242795.2, NM_001242796.2); short protein forms R679*, R802*.
Identifiers: ClinVar variation 3719350 (VCV003719350.2).

ClinVar aggregate classification (germline): Uncertain significance (1 of 4 stars; one submission).

Submission:

Labcorp Genetics (formerly Invitae), Labcorp
Classification: Uncertain significance. Last evaluated: 2024-07-01. Review status: criteria provided, single submitter. Criteria: Invitae Variant Classification Sherloc (09022015). Collection method: clinical testing. Allele origin: germline.
Comment: This sequence change creates a premature translational stop signal (p.Arg802*) in the NUP93 gene. While this is not anticipated to result in nonsense mediated decay, it is expected to disrupt the last 18 amino acid(s) of the NUP93 protein. This variant is not present in population databases (gnomAD no frequency). This premature translational stop signal has been observed in individual(s) with clinical features of NUP93-related conditions (Invitae). In at least one individual the data is consistent with being in trans (on the opposite chromosome) from a pathogenic variant. In summary, the available evidence is currently insufficient to determine the role of this variant in disease. Therefore, it has been classified as a Variant of Uncertain Significance.